The following is an entry in ClinVar:

NM_004612.4(TGFBR1):c.733G>A (p.Glu245Lys)

Gene: TGFBR1 (transforming growth factor beta receptor 1; plus strand). Cytogenetic location: 9q22.33.
Variant type: single nucleotide variant.
Coding change: c.733G>A on transcript NM_004612.4 (MANE Select); coding-DNA position 733, G replaced by A.
Protein change: p.Glu245Lys; replaces glutamic acid 245 with lysine.
Molecular consequence: missense variant.
Genome position (GRCh38, 1-based): chr9:99,138,017, G>A. VCF-style: chr9-99138017-G-A. GRCh37 (hg19) VCF-style: chr9-101900299-G-A.
Other names: c.502G>A, p.Glu168Lys (NM_001130916.3); c.745G>A, p.Glu249Lys (NM_001306210.2); short protein forms E245K, E168K, E249K.
Identifiers: ClinVar variation 392456 (VCV000392456.13), dbSNP rs1057524497, ClinGen allele CA16605589.

ClinVar aggregate classification (germline): Conflicting classifications of pathogenicity. Review status: criteria provided, conflicting classifications (1 of 4 stars). 3 submissions from 3 submitters: Likely pathogenic (2); Uncertain significance (1). Last evaluated 2021-04-02.

Conditions:
Familial thoracic aortic aneurysm and aortic dissection (TAAD). Also called: Thoracic aortic aneurysms and dissections. Identifiers: Orphanet 91387, MedGen C4707243, MONDO:0019625.

Submissions (3):

Labcorp Genetics (formerly Invitae), Labcorp
Classification: Likely pathogenic for Familial thoracic aortic aneurysm and aortic dissection. Last evaluated: 2021-04-02. Review status: criteria provided, single submitter. Criteria: Invitae Variant Classification Sherloc (09022015). Collection method: clinical testing. Allele origin: germline.
Comment: Advanced modeling of protein sequence and biophysical properties (such as structural, functional, and spatial information, amino acid conservation, physicochemical variation, residue mobility, and thermodynamic stability) performed at Invitae indicates that this missense variant is expected to disrupt TGFBR1 protein function. This variant disrupts the p.Glu245 amino acid residue in TGFBR1. Other variant(s) that disrupt this residue have been observed in affected individuals (PMID: 18781618, 23103230), suggesting that it is a clinically significant residue. As a result, variants that disrupt this residue are likely to be causative of disease. In summary, the currently available evidence indicates that the variant is pathogenic, but additional data are needed to prove that conclusively. Therefore, this variant has been classified as Likely Pathogenic. This variant has been observed in individual(s) with clinical features of TGFBR1-related conditions (External communication). ClinVar contains an entry for this variant (Variation ID: 392456). This variant is not present in population databases (ExAC no frequency). This sequence change replaces glutamic acid with lysine at codon 245 of the TGFBR1 protein (p.Glu245Lys). The glutamic acid residue is highly conserved and there is a small physicochemical difference between glutamic acid and lysine.

GeneDx
Classification: Likely pathogenic. Last evaluated: 2020-01-15. Review status: criteria provided, single submitter. Criteria: GeneDx Variant Classification Process June 2021. Collection method: clinical testing. Allele origin: germline. Affected: yes.
Comment: Not observed in large population cohorts (Lek et al., 2016); In silico analysis, which includes protein predictors and evolutionary conservation, supports a deleterious effect; Has not been previously published as pathogenic or benign to our knowledge

Women's Health and Genetics/Laboratory Corporation of America, LabCorp
Classification: Uncertain significance. Last evaluated: 2016-02-19. Review status: criteria provided, single submitter. Criteria: LabCorp Variant Classification Summary - May 2015. Collection method: clinical testing. Allele origin: germline.
Comment: Variant summary: Variant affects a conserved nucleotide and results in a replacement of a medium size and acidic Glutamic acid (E) with a large size and basic Lysine (K). 4/5 in silico tools predict the variant to be damaging. It is absent from the large and broad cohorts of the ExAC project and to our knowledge, it was not reported in LDS or TAAD patients either. In vitro/vivo studies to assess the effect of the variant on the function of the protein were not reported at the time of scoring. Due to the lack of clinical data and functional studies, the variant was classified as a variant of uncertain significance until more information becomes available.

Literature cited by the submitters: PubMed 18781618 (cited by Labcorp Genetics (formerly Invitae), Labcorp); PubMed 23103230 (cited by Labcorp Genetics (formerly Invitae), Labcorp).